The following is an entry in ClinVar:

NM_000132.4(F8):c.2945del (p.Asn982fs)

Gene: F8 (coagulation factor VIII; minus strand). Cytogenetic location: Xq28.
Variant type: Deletion.
Coding change: c.2945del on transcript NM_000132.4 (MANE Select); coding-DNA position 2945, one base deleted (A; older notation c.2945delA).
Protein change: p.Asn982fs; shifts the reading frame from asparagine 982.
Molecular consequence: frameshift variant.
Genome position (GRCh38, 1-based): chrX:154,930,845, T deleted on the plus strand (A on the coding strand, the reverse complement: F8 is on the minus strand); the first of 6 consecutive T bases (chrX:154,930,845-154,930,850); deleting any one gives the same sequence. VCF-style (leftmost placement, unchanged base first): chrX-154930844-AT-A. GRCh37 (hg19) VCF-style: chrX-154159119-AT-A.
Other names: c.2945delA (NM_000132.3); short protein forms N982fs.
Identifiers: ClinVar variation 618108 (VCV000618108.8), dbSNP rs387906447, ClinGen allele CA913191101.

ClinVar aggregate classification (germline): Pathogenic (1 of 4 stars; one submission).

Submission:

ARUP Laboratories, Molecular Genetics and Genomics, ARUP Laboratories
Classification: Pathogenic. Last evaluated: 2018-06-28. Review status: criteria provided, single submitter. Criteria: ARUP Molecular Germline Variant Investigation Process. Collection method: clinical testing. Allele origin: germline.
Comment: The F8 c.2945delA; p.Asn982fs variant, also known as p.Asn963fs, is reported in the literature in at least one individual affected with severe hemophilia A (Riccardi 2010). This variant is absent from general population databases (1000 Genomes Project, Exome Variant Server, and Genome Aggregation Database), indicating it is not a common polymorphism. This variant causes a frameshift by deleting a single nucleotide, so it is predicted to result in a truncated protein or mRNA subject to nonsense-mediated decay. Based on available information, this variant is considered to be pathogenic. References: Riccardi F et al. Spectrum of F8 gene mutations in haemophilia A patients from a region of Italy: identification of 23 new mutations. Haemophilia. 2010 Sep 1;16(5):791-800.